The following is an entry in ClinVar:

NM_000305.3(PON2):c.884C>T (p.Pro295Leu)

Genes: ASB4 (ankyrin repeat and SOCS box containing 4; plus strand), PON2 (paraoxonase 2; minus strand), LOC107986822 (uncharacterized LOC107986822; plus strand). Cytogenetic location: 7q21.3.
Variant type: single nucleotide variant.
Coding change: c.884C>T on transcript NM_000305.3 (MANE Select); coding-DNA position 884, C replaced by T.
Protein change: p.Pro295Leu; replaces proline 295 with leucine.
Molecular consequence: missense variant.
Genome position (GRCh38, 1-based): chr7:95,406,141, G>A on the plus strand (C>T on the coding strand, the complement: PON2 is on the minus strand). VCF-style: chr7-95406141-G-A. GRCh37 (hg19) VCF-style: chr7-95035453-G-A.
Other names: c.848C>T, p.Pro283Leu (NM_001018161.2); short protein forms P283L, P295L.
Identifiers: ClinVar variation 1050181 (VCV001050181.1), dbSNP rs771860411, ClinGen allele CA4350939.

ClinVar aggregate classification (germline): Uncertain significance (0 of 4 stars; one submission).

Allele frequency attached by ClinVar (database versions not stated): TOPMed 0.00002.
gnomAD v4.1: 24 of 1,613,584 alleles (0.0015%); highest among the groups gnomAD compares: Admixed American, 0.005%; no homozygotes.

Submission:

Department of Pathology and Laboratory Medicine, Sinai Health System
Classification: Uncertain significance. Review status: no assertion criteria provided. Collection method: clinical testing. Allele origin: unknown. Affected: yes. Study: The Canadian Open Genetics Repository (COGR).
Comment: The PON2 p.Pro295Leu variant was not identified in the literature nor was it identified in ClinVar or LOVD 3.0. The variant was identified in dbSNP (ID: rs771860411) and in Cosmic (FATHMM predicted pathogenic; score=0.98). The variant was identified in 6 of 251354 chromosomes at a frequency of 0.000024 (Genome Aggregation Database Feb 27, 2017). The variant was observed in the following populations: European (non-Finnish) in 5 of 113696 chromosomes (freq: 0.000044) and Latino in 1 of 34570 chromosomes (freq: 0.000029); it was not observed in the African, Ashkenazi Jewish, East Asian, European (Finnish), Other and South Asian populations. The variant occurs outside of the splicing consensus sequence and in silico or computational prediction software programs (SpliceSiteFinder, MaxEntScan, NNSPLICE, GeneSplicer) do not predict a difference in splicing. The p.Pro295 residue is not conserved in mammals however 4 of 5 computational analyses (PolyPhen-2, SIFT, BLOSUM, MutationTaster) suggest that the variant may impact the protein. In summary, based on the above information the clinical significance of this variant cannot be determined with certainty at this time. This variant is classified as a variant of uncertain significance.